The following is an entry in ClinVar:

ClinVar aggregate classification (germline): Benign. Review status: criteria provided, multiple submitters, no conflicts (2 of 4 stars). 3 submissions from 2 submitters: Benign (3). Last evaluated 2018-01-13.

Conditions:
Encephalopathy due to GLUT1 deficiency. Also called: Classic Glucose Transporter Type 1 Deficiency Syndrome; GLUCOSE TRANSPORT DEFECT, BLOOD-BRAIN BARRIER; De Vivo disease; Glucose transporter protein syndrome; GLUT1 deficiency syndrome 1, infantile onset, severe; GLUT1 deficiency syndrome 1. Identifiers: Orphanet 71277, MedGen C4551966, MONDO:0011724, OMIM 606777.
Dystonia 9 (DYT9). Also called: CHOREOATHETOSIS, KINESIGENIC, WITH EPISODIC ATAXIA AND SPASTICITY. Identifiers: Orphanet 53583, MedGen C1832855, MONDO:0010983, OMIM 601042.

Allele frequency attached by ClinVar (database versions not stated): TOPMed 0.35909; 1000 Genomes Project 0.38339; 1000 Genomes Project 30x 0.39522.

Submissions (3):

Illumina Laboratory Services, Illumina
Classification: Benign for Encephalopathy due to GLUT1 deficiency. Last evaluated: 2018-01-13. Review status: criteria provided, single submitter. Criteria: ICSL Variant Classification Criteria 13 December 2019. Collection method: clinical testing. Allele origin: germline.
Comment: This variant was observed in the ICSL laboratory as part of a predisposition screen in an ostensibly healthy population. It had not been previously curated by ICSL or reported in the Human Gene Mutation Database (HGMD: prior to June 1st, 2018), and was therefore a candidate for classification through an automated scoring system. Utilizing variant allele frequency, disease prevalence and penetrance estimates, and inheritance mode, an automated score was calculated to assess if this variant is too frequent to cause the disease. Based on the score and internal cut-off values, a variant classified as benign is not then subjected to further curation. The score for this variant resulted in a classification of benign for this disease.

Illumina Laboratory Services, Illumina
Classification: Benign for Dystonia 9. Last evaluated: 2018-01-13. Review status: criteria provided, single submitter. Criteria: ICSL Variant Classification Criteria 13 December 2019. Collection method: clinical testing. Allele origin: germline.
Comment: the same text as in the submission from Illumina Laboratory Services, Illumina above.

Breakthrough Genomics
Classification: Benign. Review status: criteria provided, single submitter. Criteria: ACMG Guidelines, 2015. Collection method: not provided. Allele origin: germline. Inheritance: Autosomal dominant inheritance. Affected: yes.

NM_006516.4(SLC2A1):c.*462G>C

Gene: SLC2A1 (solute carrier family 2 member 1; minus strand). Cytogenetic location: 1p34.2.
Variant type: single nucleotide variant.
Coding change: c.*462G>C on transcript NM_006516.4 (MANE Select); 462 bases downstream of the stop codon, G replaced by C.
Molecular consequence: 3 prime UTR variant.
Genome position (GRCh38, 1-based): chr1:42,926,579, C>G on the plus strand (G>C on the coding strand, the complement: SLC2A1 is on the minus strand). VCF-style: chr1-42926579-C-G. GRCh37 (hg19) VCF-style: chr1-43392250-C-G.
Identifiers: ClinVar variation 297374 (VCV000297374.6), dbSNP rs4658, ClinGen allele CA10611079.